The following is an entry in ClinVar:

NM_000535.7(PMS2):c.1806C>T (p.Ala602=)

Gene: PMS2 (PMS1 homolog 2, mismatch repair system component; minus strand). Cytogenetic location: 7p22.1.
Variant type: single nucleotide variant.
Coding change: c.1806C>T on transcript NM_000535.7 (MANE Select); coding-DNA position 1806, C replaced by T.
Protein change: p.Ala602=; no amino-acid change (alanine 602 retained).
Molecular consequence: synonymous variant. On other transcripts: non-coding transcript variant (1).
Genome position (GRCh38, 1-based): chr7:5,986,959, G>A on the plus strand (C>T on the coding strand, the complement: PMS2 is on the minus strand). VCF-style: chr7-5986959-G-A. GRCh37 (hg19) VCF-style: chr7-6026590-G-A.
Other names: c.1488C>T, p.Ala496= (NM_001322008.2, NM_001322007.2); c.1401C>T, p.Ala467= (NM_001322009.2, NM_001322003.2, NM_001322004.2 and 1 more transcripts); c.1245C>T, p.Ala415= (NM_001322010.2); c.873C>T, p.Ala291= (NM_001322011.2, NM_001322012.2); c.1233C>T, p.Ala411= (NM_001322013.2); c.1806C>T, p.Ala602= (NM_001322014.2); c.1497C>T, p.Ala499= (NM_001322015.2); c.1650C>T, p.Ala550= (NM_001322006.2).
Identifiers: ClinVar variation 820113 (VCV000820113.16), dbSNP rs376046767, ClinGen allele CA453745787.

ClinVar aggregate classification (germline): Benign/Likely benign. Review status: criteria provided, multiple submitters, no conflicts (2 of 4 stars). 4 submissions from 4 submitters: Benign (1); Likely benign (3). Last evaluated 2025-09-09.

Conditions:
Hereditary nonpolyposis colorectal neoplasms. Identifiers: MedGen C0009405, MeSH D003123.
Hereditary cancer-predisposing syndrome. Also called: Neoplastic Syndromes, Hereditary; Tumor predisposition; Hereditary Cancer Syndrome; Hereditary neoplastic syndrome. Identifiers: Orphanet 140162, MedGen C0027672, MeSH D009386, MONDO:0015356.
Lynch syndrome 4 (LYNCH4). Also called: Colorectal cancer, hereditary nonpolyposis, type 4; Hereditary non-polyposis colorectal cancer, type 4. Identifiers: Orphanet 144, MedGen C1838333, MONDO:0013699, OMIM 614337. Disease mechanism: loss of function.

Submissions (4):

Labcorp Genetics (formerly Invitae), Labcorp
Classification: Likely benign for Hereditary nonpolyposis colorectal neoplasms. Last evaluated: 2025-09-09. Review status: criteria provided, single submitter. Criteria: Invitae Variant Classification Sherloc (09022015). Collection method: clinical testing. Allele origin: germline.

Myriad Genetics, Inc.
Classification: Benign for Lynch syndrome 4. Last evaluated: 2025-01-31. Review status: criteria provided, single submitter. Criteria: Myriad Autosomal Dominant, Autosomal Recessive and X-Linked Classification Criteria (2023). Collection method: clinical testing. Allele origin: unknown.
Comment: This variant is considered benign. This variant is a silent/synonymous amino acid change and it is not expected to impact splicing.

Color Diagnostics, LLC DBA Color Health
Classification: Likely benign for Hereditary cancer-predisposing syndrome. Last evaluated: 2023-12-27. Review status: criteria provided, single submitter. Criteria: ACMG Guidelines, 2015. Collection method: clinical testing. Allele origin: germline.

Ambry Genetics
Classification: Likely benign for Hereditary cancer-predisposing syndrome. Last evaluated: 2018-08-27. Review status: criteria provided, single submitter. Criteria: Ambry Variant Classification Scheme 2023. Collection method: clinical testing. Allele origin: germline.